The following is an entry in ClinVar:

ClinVar aggregate classification (germline): Uncertain significance (1 of 4 stars; one submission).

gnomAD v4.1: 4 of 1,613,960 alleles (0.00025%); highest among the groups gnomAD compares: Non-Finnish European, 0.00034%; no homozygotes.

Submission:

GeneDx
Classification: Uncertain significance. Last evaluated: 2024-03-12. Review status: criteria provided, single submitter. Criteria: GeneDx Variant Classification Process June 2021. Collection method: clinical testing. Allele origin: germline. Affected: yes.
Comment: Reported in the heterozygous state in an individual with hypofibrinogenemia (PMID: 30418131); In silico analysis supports that this missense variant has a deleterious effect on protein structure/function; This variant is associated with the following publications: (PMID: 30418131, 35488806, 23560673)

NM_005141.5(FGB):c.862G>A (p.Gly288Ser)

Gene: FGB (fibrinogen beta chain; plus strand). Cytogenetic location: 4q31.3.
Variant type: single nucleotide variant.
Coding change: c.862G>A on transcript NM_005141.5 (MANE Select); coding-DNA position 862, G replaced by A.
Protein change: p.Gly288Ser; replaces glycine 288 with serine.
Molecular consequence: missense variant. On other transcripts: intron variant (1).
Genome position (GRCh38, 1-based): chr4:154,569,211, G>A. VCF-style: chr4-154569211-G-A. GRCh37 (hg19) VCF-style: chr4-155490363-G-A.
Other names: c.685G>A, p.Gly229Ser (NM_001184741.1); c.730G>A, p.Gly244Ser (NM_001382759.1); c.862G>A, p.Gly288Ser (NM_001382760.1, NM_001382761.1, NM_001382764.1 and 1 more transcripts); c.853G>A, p.Gly285Ser (NM_001382763.1); c.746-390G>A (NM_001382762.1); short protein forms G229S, G244S, G285S, G288S.
Identifiers: ClinVar variation 3340176 (VCV003340176.1).